The following is an entry in ClinVar:

NM_152564.5(VPS13B):c.6658-2A>G

Gene: VPS13B (vacuolar protein sorting 13 homolog B; plus strand). Cytogenetic location: 8q22.2.
Variant type: single nucleotide variant.
Coding change: c.6658-2A>G on transcript NM_152564.5 (MANE Select); the canonical splice acceptor site of the intron before coding-DNA position 6658, A replaced by G.
Molecular consequence: splice acceptor variant.
Genome position (GRCh38, 1-based): chr8:99,720,343, A>G. VCF-style: chr8-99720343-A-G. GRCh37 (hg19) VCF-style: chr8-100732571-A-G.
Other names: c.6733-2A>G (NM_017890.5).
Identifiers: ClinVar variation 56684 (VCV000056684.5), dbSNP rs386834103, ClinGen allele CA264114.

ClinVar aggregate classification (germline): Likely pathogenic. Review status: criteria provided, multiple submitters, no conflicts (2 of 4 stars). 4 submissions from 4 submitters: Likely pathogenic (3). 1 of the submissions does not count toward it. Last evaluated 2024-03-27.

Conditions:
VPS13B-related disorder. Also called: VPS13B-related condition.
Cohen syndrome (COH1). Also called: PEPPER SYNDROME; Cutis verticis gyrata, retinitis pigmentosa, and sensorineural deafness. Identifiers: Orphanet 193, MedGen C0265223, MONDO:0008999, OMIM 216550.

Submissions (4):

Natera, Inc.
Classification: Likely pathogenic for Cohen syndrome. Last evaluated: 2024-03-27. Review status: criteria provided, single submitter. Criteria: Natera Variant Classification Schema (03/2026). Collection method: clinical testing. Allele origin: germline.
Comment: The c.6733-2A>G variant in VPS13B is a canonical splice acceptor site variant predicted to affect pre-mRNA splicing, which may result in an abnormal transcript and altered protein product. This variant is expected to result in nonsense mediated decay, truncation, or a dysfunctional protein product. This variant is rare in the general population with a frequency below the threshold expected for the associated phenotype(s). Given the available evidence, this variant is classified as Likely Pathogenic.

Blueprint Genetics
Classification: Likely pathogenic for VPS13B-related disorders. Last evaluated: 2021-04-06. Review status: criteria provided, single submitter. Criteria: ACMG Guidelines, 2015. Collection method: clinical testing. Allele origin: germline. Affected: yes. Observed: 1 variant allele.

GeneDx
Classification: Likely pathogenic. Last evaluated: 2021-02-04. Review status: criteria provided, single submitter. Criteria: GeneDx Variant Classification Process June 2021. Collection method: clinical testing. Allele origin: germline. Affected: yes.
Comment: Canonical splice site variant predicted to result in a null allele in a gene for which loss-of-function is a known mechanism of disease; Not observed in large population cohorts (Lek et al., 2016); This variant is associated with the following publications: (PMID: 15141358, 19006247)

Juha Muilu Group; Institute for Molecular Medicine Finland (FIMM)
Classification: Likely pathogenic for Cohen syndrome. Review status: no assertion criteria provided. Collection method: not provided. Allele origin: unknown. Not counted in ClinVar's aggregate classification.
Comment: FinDis database variant: This variant was not found or characterized by our laboratory, data were collected from public sources: see reference
ClinVar note: Converted during submission from probable-pathogenic to Likely pathogenic.